The following is an entry in ClinVar:

NM_000182.5(HADHA):c.2010del (p.Asp670fs)

Genes: GAREM2 (GRB2 associated regulator of MAPK1 subtype 2; plus strand), HADHA (hydroxyacyl-CoA dehydrogenase trifunctional multienzyme complex subunit alpha; minus strand). Cytogenetic location: 2p23.3.
Variant type: Deletion.
Coding change: c.2010del on transcript NM_000182.5 (MANE Select); coding-DNA position 2010, one base deleted (C; older notation c.2010delC).
Protein change: p.Asp670fs; shifts the reading frame from aspartic acid 670.
Molecular consequence: frameshift variant.
Genome position (GRCh38, 1-based): chr2:26,191,619, G deleted on the plus strand (C on the coding strand, the reverse complement: HADHA is on the minus strand). VCF-style (leftmost placement, unchanged base first): chr2-26191618-CG-C. GRCh37 (hg19) VCF-style: chr2-26414487-CG-C.
Other names: short protein forms D670fs.
Identifiers: ClinVar variation 2020384 (VCV002020384.4), dbSNP rs1669507506, ClinGen allele CA1239700933.

ClinVar aggregate classification (germline): Pathogenic (1 of 4 stars; one submission).

Conditions:
Long chain 3-hydroxyacyl-CoA dehydrogenase deficiency. Also called: LCHAD Deficiency; Deficiency of long-chain 3-hydroxyacyl-coenzyme A dehydrogenase. Identifiers: Orphanet 5, MedGen C3711645, MONDO:0012173, OMIM 609016.
Mitochondrial trifunctional protein deficiency. Identifiers: Orphanet 746, MedGen C1969443, MONDO:0012172.

Allele frequency attached by ClinVar (database versions not stated): gnomAD exomes below 0.00001; TOPMed below 0.00001.

Submission:

Labcorp Genetics (formerly Invitae), Labcorp
Classification: Pathogenic for Mitochondrial trifunctional protein deficiency; Long chain 3-hydroxyacyl-CoA dehydrogenase deficiency. Last evaluated: 2022-06-18. Review status: criteria provided, single submitter. Criteria: Invitae Variant Classification Sherloc (09022015). Collection method: clinical testing. Allele origin: germline.
Comment: This sequence change creates a premature translational stop signal (p.Asp670Glufs*9) in the HADHA gene. It is expected to result in an absent or disrupted protein product. Loss-of-function variants in HADHA are known to be pathogenic (PMID: 7738175, 21103935, 21549624, 22459206). This variant is not present in population databases (gnomAD no frequency). This variant has not been reported in the literature in individuals affected with HADHA-related conditions. For these reasons, this variant has been classified as Pathogenic.

Literature cited by the submitters: PubMed 7738175; PubMed 21103935; PubMed 21549624; PubMed 22459206.